The following is an entry in ClinVar:

ClinVar aggregate classification (germline): Uncertain significance. Review status: criteria provided, multiple submitters, no conflicts (2 of 4 stars). 4 submissions from 4 submitters: Uncertain significance (4). Last evaluated 2025-12-23.

Conditions:
PLEC-related disorder. Also called: PLEC-related disorders; PLEC-related condition.
Autosomal recessive limb-girdle muscular dystrophy type 2Q (LGMDR17). Also called: MUSCULAR DYSTROPHY, LIMB-GIRDLE, AUTOSOMAL RECESSIVE 17. Identifiers: Orphanet 254361, MedGen C3150989, MONDO:0013390, OMIM 613723.
Epidermolysis bullosa simplex with nail dystrophy (EBS5D). Identifiers: MedGen C4225309, MONDO:0014661, OMIM 616487.
Epidermolysis bullosa simplex 5C, with pyloric atresia (EBS5C). Also called: PLEC-Related Epidermolysis Bullosa with Pyloric Atresia; Epidermolysis bullosa simplex with pyloric atresia; PLEC1-Related Epidermolysis Bullosa with Pyloric Atresia. Identifiers: Orphanet 158684, MedGen C2677349, MONDO:0012807, OMIM 612138.
Epidermolysis bullosa simplex, Ogna type (EBS5A). Also called: Pidermolysis bullosa simplex 5A, Ogna type; EPIDERMOLYSIS BULLOSA SIMPLEX 5A, OGNA TYPE. Identifiers: Orphanet 79401, MedGen C0432317, MONDO:0007555, OMIM 131950.
Epidermolysis bullosa simplex 5B, with muscular dystrophy (EBS5B). Also called: EPIDERMOLYSIS BULLOSA SIMPLEX AND LIMB-GIRDLE MUSCULAR DYSTROPHY; Epidermolysis bullosa simplex with muscular dystrophy. Identifiers: Orphanet 257, MedGen C2931072, MONDO:0009181, OMIM 226670.
Inborn genetic diseases. Identifiers: MedGen C0950123, MeSH D030342.

Allele frequency attached by ClinVar (database versions not stated): gnomAD 0.00003; TOPMed 0.00003; gnomAD exomes 0.00013; 1000 Genomes Project 30x 0.00016; 1000 Genomes Project 0.00020.
gnomAD v4.1: 199 of 1,612,816 alleles (0.012%); highest among the groups gnomAD compares: Middle Eastern, 0.016%; no homozygotes.

Submissions (4):

Labcorp Genetics (formerly Invitae), Labcorp
Classification: Uncertain significance for Autosomal recessive limb-girdle muscular dystrophy type 2Q; Epidermolysis bullosa simplex, Ogna type; Epidermolysis bullosa simplex with nail dystrophy; Epidermolysis bullosa simplex 5C, with pyloric atresia; Epidermolysis bullosa simplex 5B, with muscular dystrophy. Last evaluated: 2025-12-23. Review status: criteria provided, single submitter. Criteria: Invitae Variant Classification Sherloc (09022015). Collection method: clinical testing. Allele origin: germline.
Comment: This sequence change replaces arginine, which is basic and polar, with cysteine, which is neutral and slightly polar, at codon 674 of the PLEC protein (p.Arg674Cys). This variant is present in population databases (rs201238023, gnomAD 0.01%). This variant has not been reported in the literature in individuals affected with PLEC-related conditions. ClinVar contains an entry for this variant (Variation ID: 471549). Invitae Evidence Modeling of protein sequence and biophysical properties (such as structural, functional, and spatial information, amino acid conservation, physicochemical variation, residue mobility, and thermodynamic stability) indicates that this missense variant is not expected to disrupt PLEC protein function with a negative predictive value of 80%. In summary, the available evidence is currently insufficient to determine the role of this variant in disease. Therefore, it has been classified as a Variant of Uncertain Significance.

PreventionGenetics, part of Exact Sciences
Classification: Uncertain significance for PLEC-related condition. Last evaluated: 2025-12-05. Review status: criteria provided, single submitter. Criteria: ACMG Guidelines, 2015. Collection method: clinical testing. Allele origin: germline.
Comment: The PLEC c.2020C>T variant is predicted to result in the amino acid substitution p.Arg674Cys. To our knowledge, this variant has not been reported in the literature. This variant is reported in 0.015% of alleles in individuals of European (Non-Finnish) descent in gnomAD. At this time, the clinical significance of this variant is uncertain due to the absence of conclusive functional and genetic evidence.

Ambry Genetics
Classification: Uncertain significance for Inborn genetic diseases. Last evaluated: 2025-02-07. Review status: criteria provided, single submitter. Criteria: Ambry Variant Classification Scheme 2023. Collection method: clinical testing. Allele origin: germline.

Revvity Omics, Revvity
Classification: Uncertain significance. Last evaluated: 2020-05-25. Review status: criteria provided, single submitter. Criteria: ACMG Guidelines, 2015. Collection method: clinical testing. Allele origin: germline.

NM_201384.3(PLEC):c.1939C>T (p.Arg647Cys)

Gene: PLEC (plectin; minus strand). Cytogenetic location: 8q24.3.
Variant type: single nucleotide variant.
Coding change: c.1939C>T on transcript NM_201384.3 (MANE Select); coding-DNA position 1939, C replaced by T.
Protein change: p.Arg647Cys; replaces arginine 647 with cysteine.
Molecular consequence: missense variant.
Genome position (GRCh38, 1-based): chr8:143,932,438, G>A on the plus strand (C>T on the coding strand, the complement: PLEC is on the minus strand). VCF-style: chr8-143932438-G-A. GRCh37 (hg19) VCF-style: chr8-145006606-G-A.
Other names: c.2020C>T, p.Arg674Cys (NM_000445.5); c.1897C>T, p.Arg633Cys (NM_201378.4); c.1873C>T, p.Arg625Cys (NM_201379.3); c.2350C>T, p.Arg784Cys (NM_201380.4); c.1843C>T, p.Arg615Cys (NM_201381.3); c.1939C>T, p.Arg647Cys (NM_201382.4); c.1951C>T, p.Arg651Cys (NM_201383.3); c.2020C>T (NM_000445.3); short protein forms R615C, R625C, R647C, R633C, R651C, R674C, R784C.
Identifiers: ClinVar variation 471549 (VCV000471549.13), dbSNP rs201238023, ClinGen allele CA4927783.